The following is an entry in ClinVar:

NM_002834.5(PTPN11):c.454C>T (p.Arg152Cys)

Gene: PTPN11 (protein tyrosine phosphatase non-receptor type 11; plus strand). Cytogenetic location: 12q24.13.
Variant type: single nucleotide variant.
Coding change: c.454C>T on transcript NM_002834.5 (MANE Select); coding-DNA position 454, C replaced by T.
Protein change: p.Arg152Cys; replaces arginine 152 with cysteine.
Molecular consequence: missense variant.
Genome position (GRCh38, 1-based): chr12:112,453,316, C>T. VCF-style: chr12-112453316-C-T. GRCh37 (hg19) VCF-style: chr12-112891120-C-T.
Other names: c.454C>T, p.Arg152Cys (NM_001330437.2, NM_080601.3); c.451C>T, p.Arg151Cys (NM_001374625.1); short protein forms R151C, R152C.
Identifiers: ClinVar variation 3940396 (VCV003940396.1).
Genomic context (GRCh38, chr12:112,453,316, plus strand): 5'-CATGGTAGTTTTCTTGTACGAGAGAGCCAGAGCCACCCTGGAGATTTTGTTCTTTCTGTG[C>T]GCACTGGTGATGACAAAGGGGAGAGCAATGACGGCAAGTCTAAAGTGACCCATGTTATGA-3'
Protein context (NP_002825.3, residues 142-162): SHPGDFVLSV[Arg152Cys]TGDDKGESND

ClinVar aggregate classification (germline): Uncertain significance (1 of 4 stars; one submission).

Conditions:
Cardiovascular phenotype. Identifiers: MedGen CN230736.

gnomAD v4.1: 2 of 1,613,988 alleles (0.00012%); highest among the groups gnomAD compares: Non-Finnish European, 0.000085%; no homozygotes.

Submission:

Ambry Genetics
Classification: Uncertain significance for Cardiovascular phenotype. Last evaluated: 2025-04-03. Review status: criteria provided, single submitter. Criteria: Ambry Variant Classification Scheme 2023. Collection method: clinical testing. Allele origin: germline.
Comment: The p.R152C variant (also known as c.454C>T), located in coding exon 4 of the PTPN11 gene, results from a C to T substitution at nucleotide position 454. The arginine at codon 152 is replaced by cysteine, an amino acid with highly dissimilar properties. This amino acid position is conserved. In addition, this alteration is predicted to be deleterious by in silico analysis. Based on the available evidence, the clinical significance of this variant remains unclear.